The following is an entry in ClinVar:

ClinVar aggregate classification (germline): Uncertain significance (1 of 4 stars; one submission).

gnomAD v4.1: 2 of 1,611,344 alleles (0.00012%); highest among the groups gnomAD compares: Non-Finnish European, 0.00017%; no homozygotes.

Submission:

CeGaT Center for Human Genetics Tuebingen
Classification: Uncertain significance. Last evaluated: 2022-04-01. Review status: criteria provided, single submitter. Criteria: CeGaT Center For Human Genetics Tuebingen Variant Classification Criteria Version 2. Collection method: clinical testing. Allele origin: germline. Affected: yes. Observed: 1 variant allele.
Comment: NPHS1: PM2

NM_004646.4(NPHS1):c.1790C>T (p.Ala597Val)

Gene: NPHS1 (NPHS1 adhesion molecule, nephrin; minus strand). Cytogenetic location: 19q13.12.
Variant type: single nucleotide variant.
Coding change: c.1790C>T on transcript NM_004646.4 (MANE Select); coding-DNA position 1790, C replaced by T.
Protein change: p.Ala597Val; replaces alanine 597 with valine.
Molecular consequence: missense variant.
Genome position (GRCh38, 1-based): chr19:35,845,508, G>A on the plus strand (C>T on the coding strand, the complement: NPHS1 is on the minus strand). VCF-style: chr19-35845508-G-A. GRCh37 (hg19) VCF-style: chr19-36336410-G-A.
Other names: short protein forms A597V.
Identifiers: ClinVar variation 1694913 (VCV001694913.31), dbSNP rs548304892, ClinGen allele CA9390319.